The following is an entry in ClinVar:

NM_001321075.3(DLG4):c.869_874dup (p.Pro291_Arg292insProPro)

Genes: DLG4 (discs large MAGUK scaffold protein 4; minus strand), LOC126862479 (MED14-independent group 3 enhancer GRCh37_chr17:7099412-7100611; plus strand). Cytogenetic location: 17p13.1.
Variant type: Duplication.
Coding change: c.869_874dup on transcript NM_001321075.3 (MANE Select); coding-DNA positions 869 to 874, 6 bases duplicated (CCCCTC; older notation c.869_874dupCCCCTC).
Protein change: p.Pro291_Arg292insProPro.
Molecular consequence: non-coding transcript variant (on NR_135527.1).
Genome position (GRCh38, 1-based): chr17:7,196,966-7,196,971, GAGGGG duplicated on the plus strand (CCCCTC on the coding strand, the reverse complement: DLG4 is on the minus strand). VCF-style (leftmost placement, unchanged base first): chr17-7196965-C-CGAGGGG. GRCh37 (hg19) VCF-style: chr17-7100284-C-CGAGGGG.
Other names: c.860_865dup, p.Pro288_Arg289insProPro (NM_001128827.4); c.989_994dup, p.Pro331_Arg332insProPro (NM_001321074.1); c.689_694dup, p.Pro231_Arg232insProPro (NM_001321076.3, NM_001321077.3); c.998_1003dup, p.Pro334_Arg335insProPro (NM_001365.5); c.788_793dup, p.Pro264_Arg265insProPro (NM_001369566.3).
Identifiers: ClinVar variation 3373502 (VCV003373502.1).
Genomic context (GRCh38, chr17:7,196,965, plus strand): 5'-CTCGGTTCTCGGGGAATGTCTTCCTCCCCGAGCAGGTCCTTGGCCACTGGAGAGTAGCGC[C>CGAGGGG]GAGGGGAAGTGGGGGTCATGGCTGTGGGGTAGTCGGTGCCCAGGTAGCTGCTGTGACTGA-3'

ClinVar aggregate classification (germline): Uncertain significance (1 of 4 stars; one submission).

Submission:

GeneDx
Classification: Uncertain significance. Last evaluated: 2024-02-29. Review status: criteria provided, single submitter. Criteria: GeneDx Variant Classification Process June 2021. Collection method: clinical testing. Allele origin: germline. Affected: yes.
Comment: Not observed at significant frequency in large population cohorts (gnomAD); In-frame duplication of 2 amino acids in a non-repeat region; Has not been previously published as pathogenic or benign to our knowledge